The following is an entry in ClinVar:

NM_004341.5(CAD):c.6671G>A (p.Arg2224His)

Genes: CAD (carbamoyl-phosphate synthetase 2, aspartate transcarbamylase, and dihydroorotase; plus strand), LOC126806172 (CDK7 strongly-dependent group 2 enhancer GRCh37_chr2:27465505-27466704; plus strand). Cytogenetic location: 2p23.3.
Variant type: single nucleotide variant.
Coding change: c.6671G>A on transcript NM_004341.5 (MANE Select); coding-DNA position 6671, G replaced by A.
Protein change: p.Arg2224His; replaces arginine 2224 with histidine.
Molecular consequence: missense variant.
Genome position (GRCh38, 1-based): chr2:27,243,511, G>A. VCF-style: chr2-27243511-G-A. GRCh37 (hg19) VCF-style: chr2-27466379-G-A.
Other names: c.6482G>A, p.Arg2161His (NM_001306079.2); short protein forms R2161H, R2224H.
Identifiers: ClinVar variation 1696246 (VCV001696246.4), dbSNP rs138694992, ClinGen allele CA1574297.
Genomic context (GRCh38, chr2:27,243,511, plus strand): 5'-TCCGCCAGGCTGAGAACGGCATGTACATCCGCATGGCTCTGTTAGCCACCGTGCTGGGCC[G>A]TTTCTAGGGCCTGGCTTCCTCAGCCTCTTCTCTTTAGGCCCAGCTGCTGGGCAAGGAATT-3'
Protein context (NP_004332.2, residues 2214-2225): RMALLATVLG[Arg2224His]F

ClinVar aggregate classification (germline): Uncertain significance. Review status: criteria provided, multiple submitters, no conflicts (2 of 4 stars). 2 submissions from 2 submitters: Uncertain significance (2). Last evaluated 2023-12-13.

Allele frequency attached by ClinVar (database versions not stated): TOPMed below 0.00001; gnomAD 0.00001; gnomAD exomes 0.00001; ExAC 0.00002; ESP Exome Variant Server 0.00008.
gnomAD v4.1: 11 of 1,590,136 alleles (0.00069%); highest among the groups gnomAD compares: South Asian, 0.0023%; no homozygotes.

Submissions (2):

Labcorp Genetics (formerly Invitae), Labcorp
Classification: Uncertain significance. Last evaluated: 2023-12-13. Review status: criteria provided, single submitter. Criteria: Invitae Variant Classification Sherloc (09022015). Collection method: clinical testing. Allele origin: germline.
Comment: This sequence change replaces arginine, which is basic and polar, with histidine, which is basic and polar, at codon 2224 of the CAD protein (p.Arg2224His). The frequency data for this variant in the population databases is considered unreliable, as metrics indicate poor data quality at this position in the gnomAD database. This missense change has been observed in individual(s) with developmental and epileptic encephalopathy (Invitae). ClinVar contains an entry for this variant (Variation ID: 1696246). An algorithm developed to predict the effect of missense changes on protein structure and function (PolyPhen-2) suggests that this variant is likely to be disruptive. In summary, the available evidence is currently insufficient to determine the role of this variant in disease. Therefore, it has been classified as a Variant of Uncertain Significance.

Women's Health and Genetics/Laboratory Corporation of America, LabCorp
Classification: Uncertain significance. Last evaluated: 2022-05-03. Review status: criteria provided, single submitter. Criteria: LabCorp Variant Classification Summary - May 2015. Collection method: clinical testing. Allele origin: germline.